The following is an entry in ClinVar:

ClinVar aggregate classification (germline): Uncertain significance (1 of 4 stars; one submission).

Conditions:
Leber congenital amaurosis 12 (LCA12). Identifiers: Orphanet 65, MedGen C1857743, MONDO:0012525, OMIM 610612.

gnomAD v4.1: 28 of 1,606,362 alleles (0.0017%); highest among the groups gnomAD compares: South Asian, 0.021%; no homozygotes.

Submission:

Labcorp Genetics (formerly Invitae), Labcorp
Classification: Uncertain significance for Leber congenital amaurosis 12. Last evaluated: 2022-05-30. Review status: criteria provided, single submitter. Criteria: Invitae Variant Classification Sherloc (09022015). Collection method: clinical testing. Allele origin: germline.
Comment: This sequence change affects codon 120 of the RD3 mRNA. It is a 'silent' change, meaning that it does not change the encoded amino acid sequence of the RD3 protein. This variant is present in population databases (rs752609979, gnomAD 0.02%). This variant has not been reported in the literature in individuals affected with RD3-related conditions. Algorithms developed to predict the effect of sequence changes on RNA splicing suggest that this variant may disrupt the consensus splice site. In summary, the available evidence is currently insufficient to determine the role of this variant in disease. Therefore, it has been classified as a Variant of Uncertain Significance.

NM_001164688.2(RD3):c.360G>A (p.Ser120=)

Gene: RD3 (RD3 regulator of GUCY2D; minus strand). Cytogenetic location: 1q32.3.
Variant type: single nucleotide variant.
Coding change: c.360G>A on transcript NM_001164688.2 (MANE Select); coding-DNA position 360, G replaced by A.
Protein change: p.Ser120=; no amino-acid change (serine 120 retained).
Molecular consequence: synonymous variant.
Genome position (GRCh38, 1-based): chr1:211,479,264, C>T on the plus strand (G>A on the coding strand, the complement: RD3 is on the minus strand). VCF-style: chr1-211479264-C-T. GRCh37 (hg19) VCF-style: chr1-211652606-C-T.
Other names: c.360G>A, p.Ser120= (NM_183059.3).
Identifiers: ClinVar variation 2173670 (VCV002173670.1), dbSNP rs752609979, ClinGen allele CA1381077.
Genomic context (GRCh38, chr1:211,479,264, plus strand): 5'-GCGCGTCAGCTTGTGGGCCTCCTCTTCCTGCTTCATCCTCTCCAGGACCTCCTGCAGCAC[C>T]GAGCGGAAGAGCTGGGACACCTCCTGCACCTCGGGCTCCTGCTCCGCCAGCAGCTGCCGG-3'
Protein context (NP_001158160.1, residues 110-130): EVQEVSQLFR[Ser120=]VLQEVLERMK